The following is an entry in ClinVar:

ClinVar aggregate classification (germline): Likely benign (1 of 4 stars; one submission).

Allele frequency attached by ClinVar (database versions not stated): 1000 Genomes Project 0.00319; 1000 Genomes Project 30x 0.00328; TOPMed 0.00467.
gnomAD v4.1: 1,169 of 1,605,354 alleles (0.073%); highest among the groups gnomAD compares: African/African-American, 1.4%; 11 homozygotes.

Submission:

GeneDx
Classification: Likely benign. Last evaluated: 2022-02-08. Review status: criteria provided, single submitter. Criteria: GeneDx Variant Classification Process June 2021. Collection method: clinical testing. Allele origin: germline. Affected: yes.
Comment: See Variant Classification Assertion Criteria.

NM_006946.4(SPTBN2):c.1807+60G>A

Gene: SPTBN2 (spectrin beta, non-erythrocytic 2; minus strand). Cytogenetic location: 11q13.2.
Variant type: single nucleotide variant.
Coding change: c.1807+60G>A on transcript NM_006946.4 (MANE Select); 60 bases into the intron after coding-DNA position 1807, G replaced by A.
Molecular consequence: intron variant.
Genome position (GRCh38, 1-based): chr11:66,705,624, C>T on the plus strand (G>A on the coding strand, the complement: SPTBN2 is on the minus strand). VCF-style: chr11-66705624-C-T. GRCh37 (hg19) VCF-style: chr11-66473095-C-T.
Identifiers: ClinVar variation 1810589 (VCV001810589.1), dbSNP rs145850901, ClinGen allele CA224086522.